The following is an entry in ClinVar:

ClinVar aggregate classification (germline): Uncertain significance (1 of 4 stars; one submission).

Conditions:
Cardiovascular phenotype. Identifiers: MedGen CN230736.

Allele frequency attached by ClinVar (database versions not stated): gnomAD exomes below 0.00001.
gnomAD v4.1: 1 of 1,480,286 alleles (0.000068%); highest among the groups gnomAD compares: South Asian, 0.0013%; no homozygotes.

Submission:

Ambry Genetics
Classification: Uncertain significance for Cardiovascular phenotype. Last evaluated: 2022-03-23. Review status: criteria provided, single submitter. Criteria: Ambry Variant Classification Scheme 2023. Collection method: clinical testing. Allele origin: germline.
Comment: The p.A71T variant (also known as c.211G>A), located in coding exon 1 of the HCN4 gene, results from a G to A substitution at nucleotide position 211. The alanine at codon 71 is replaced by threonine, an amino acid with similar properties. This amino acid position is conserved. In addition, this alteration is predicted to be tolerated by in silico analysis. Since supporting evidence is limited at this time, the clinical significance of this alteration remains unclear.

NM_005477.3(HCN4):c.211G>A (p.Ala71Thr)

Gene: HCN4 (hyperpolarization activated cyclic nucleotide gated potassium channel 4; minus strand). Cytogenetic location: 15q24.1.
Variant type: single nucleotide variant.
Coding change: c.211G>A on transcript NM_005477.3 (MANE Select); coding-DNA position 211, G replaced by A.
Protein change: p.Ala71Thr; replaces alanine 71 with threonine.
Molecular consequence: missense variant.
Genome position (GRCh38, 1-based): chr15:73,368,060, C>T on the plus strand (G>A on the coding strand, the complement: HCN4 is on the minus strand). VCF-style: chr15-73368060-C-T. GRCh37 (hg19) VCF-style: chr15-73660401-C-T.
Other names: short protein forms A71T.
Identifiers: ClinVar variation 1786228 (VCV001786228.2), dbSNP rs1360146681, ClinGen allele CA393098704.